The following is an entry in ClinVar:

ClinVar aggregate classification (germline): Pathogenic. Review status: criteria provided, multiple submitters, no conflicts (2 of 4 stars). 3 submissions from 3 submitters: Pathogenic (2). 1 of the submissions does not count toward it. Last evaluated 2024-04-10.

Conditions:
Cataract 38. Also called: Cataract, autosomal recessive congenital 5; Cataract 38, autosomal recessive. Identifiers: Orphanet 91492, MedGen C3553494, MONDO:0013859, OMIM 614691.
Sengers syndrome. Also called: Cardiomyopathy and cataract; MITOCHONDRIAL DNA DEPLETION SYNDROME 10 (CARDIOMYOPATHIC TYPE). Identifiers: Orphanet 1369, MedGen C1859317, MONDO:0008922, OMIM 212350.

Allele frequency attached by ClinVar (database versions not stated): ExAC 0.00001; TOPMed 0.00002; gnomAD exomes 0.00001.
gnomAD v4.1: 18 of 1,613,308 alleles (0.0011%); highest among the groups gnomAD compares: African/African-American, 0.0013%; no homozygotes.

Submissions (3):

Labcorp Genetics (formerly Invitae), Labcorp
Classification: Pathogenic for Sengers syndrome; Cataract 38. Last evaluated: 2024-04-10. Review status: criteria provided, single submitter. Criteria: Invitae Variant Classification Sherloc (09022015). Collection method: clinical testing. Allele origin: germline.
Comment: This sequence change creates a premature translational stop signal (p.Arg281*) in the AGK gene. It is expected to result in an absent or disrupted protein product. Loss-of-function variants in AGK are known to be pathogenic (PMID: 22284826). This variant is present in population databases (rs387907025, gnomAD 0.0009%). This premature translational stop signal has been observed in individual(s) with Sengers syndrome (PMID: 22284826, 25208612). ClinVar contains an entry for this variant (Variation ID: 30829). For these reasons, this variant has been classified as Pathogenic.

GeneDx
Classification: Pathogenic. Last evaluated: 2017-03-13. Review status: criteria provided, single submitter. Criteria: GeneDx Variant Classification (06012015). Collection method: clinical testing. Allele origin: germline. Affected: yes.
Comment: The R281X pathogenic variant in the AGK gene has been reported previously in two unrelated individuals with Sengers syndrome who were each compound heterozygous for the R281X variant and another loss-of-function variant (Mayr et al., 2012; Haghighi et al., 2014). This variant is predicted to cause loss of normal protein function either through protein truncation or nonsense-mediated mRNA decay. The R281X variant was not observed in approximately 6500 individuals of European and African American ancestry in the NHLBI Exome Sequencing Project, indicating it is not a common benign variant in these populations. We interpret R281X as a pathogenic variant.

OMIM
Classification: Pathogenic for SENGERS SYNDROME. Last evaluated: 2012-02-10. Review status: no assertion criteria provided. Collection method: literature only. Allele origin: germline. Not counted in ClinVar's aggregate classification.

Literature cited by the submitters: PubMed 22284826 (cited by Labcorp Genetics (formerly Invitae), Labcorp and OMIM); PubMed 25208612 (cited by Labcorp Genetics (formerly Invitae), Labcorp).

NM_018238.4(AGK):c.841C>T (p.Arg281Ter)

Gene: AGK (acylglycerol kinase; plus strand). Cytogenetic location: 7q34.
Variant type: single nucleotide variant.
Coding change: c.841C>T on transcript NM_018238.4 (MANE Select); coding-DNA position 841, C replaced by T.
Protein change: p.Arg281Ter; replaces arginine 281 with a stop codon.
Molecular consequence: nonsense.
Genome position (GRCh38, 1-based): chr7:141,641,362, C>T. VCF-style: chr7-141641362-C-T. GRCh37 (hg19) VCF-style: chr7-141341162-C-T.
Other names: c.841C>T, p.Arg281Ter (NM_001364948.3); short protein forms R281*.
Identifiers: ClinVar variation 30829 (VCV000030829.4), dbSNP rs387907025, ClinGen allele CA129490.